The following is an entry in ClinVar:

NM_174936.4(PCSK9):c.778_799+12del

Gene: PCSK9 (proprotein convertase subtilisin/kexin type 9; plus strand). Cytogenetic location: 1p32.3.
Variant type: Deletion.
Coding change: c.778_799+12del on transcript NM_174936.4 (MANE Select); coding-DNA position 778 through 12 bases into the intron after coding-DNA position 799, 34 bases deleted.
Molecular consequence: splice donor variant.
Genome position (GRCh38, 1-based): chr1:55,052,770-55,052,803, 34 bases deleted; deleting any 34 consecutive bases within chr1:55,052,767-55,052,803 gives the same sequence; the c. name uses the placement nearest the transcript's 3' end. GRCh37 (hg19): chr1:55,518,443-55,518,476.
Other names: c.403_424+12del (NM_001407246.1); c.901_922+12del (NM_001407240.1); c.781_802+12del (NM_001407242.1); c.778_799+12del (NM_001407241.1, NM_001407244.1, NM_001407247.1); c.721_742+12del (NM_001407243.1); c.586_607+12del (NM_001407245.1).
Identifiers: ClinVar variation 3387432 (VCV003387432.1).
Genomic context (GRCh38, chr1:55,052,766, plus strand): 5'-TGCCGGCGTGGCCAAGGGTGCCAGCATGCGCAGCCTGCGCGTGCTCAACTGCCAAGGGAA[GGGCACGGTTAGCGGCACCCTCATAGGTAAGTGAT>G]GGCCCCAGACGCTGGTCTCTCTCCATCTGGACCTGGCCTGGGAGGTGGCTTGGGCTGGGC-3'

ClinVar aggregate classification (germline): Uncertain significance (1 of 4 stars; one submission).

Conditions:
Hypercholesterolemia, autosomal dominant, 3 (FHCL3). Also called: Familial Hypercholesterolemia, Autosomal Dominant, 3; PCSK9-Related Familial Hypercholesterolemia, Autosomal Dominant; Familial hypercholesterolemia 3. Identifiers: MedGen C1863551, MONDO:0011369, OMIM 603776.

Submission:

All of Us Research Program, National Institutes of Health
Classification: Uncertain significance for Hypercholesterolemia, autosomal dominant, 3. Last evaluated: 2024-07-20. Review status: criteria provided, single submitter. Criteria: ACMG Guidelines, 2015. Collection method: clinical testing. Allele origin: germline. Inheritance: Autosomal dominant inheritance. Observed: 1 variant allele, 1 heterozygote.
Comment: This variant deletes 34 nucleotides spanning the intron 5 splice donor site of the PCSK9 gene. Splice site prediction tools predict that this variant may have a significant impact on RNA splicing. To our knowledge, RNA studies have not been reported for this variant. This variant has not been reported in individuals affected with PCSK9-related disorders in the literature. This variant has not been identified in the general population by the Genome Aggregation Database (gnomAD). The available evidence is insufficient to determine the role of this variant in disease conclusively. Therefore, this variant is classified as a Variant of Uncertain Significance.

This study involves interpretation of variants in research participants for the purpose of population health screening. Participant phenotype was not available at the time of variant classification. Additional details can be found in publication PMID: 35346344, PMCID: PMC8962531